The following is an entry in ClinVar:

ClinVar aggregate classification (germline): Uncertain significance. Review status: criteria provided, multiple submitters, no conflicts (2 of 4 stars). 3 submissions from 3 submitters: Uncertain significance (3). Last evaluated 2025-03-07.

Conditions:
Inborn genetic diseases. Identifiers: MedGen C0950123, MeSH D030342.

Allele frequency attached by ClinVar (database versions not stated): gnomAD 0.00001; ExAC 0.00002.
gnomAD v4.1: 25 of 1,613,990 alleles (0.0015%); highest among the groups gnomAD compares: South Asian, 0.0077%; no homozygotes.

Submissions (3):

GeneDx
Classification: Uncertain significance. Last evaluated: 2025-03-07. Review status: criteria provided, single submitter. Criteria: GeneDx Variant Classification Process June 2021. Collection method: clinical testing. Allele origin: germline. Affected: yes.
Comment: In silico analysis indicates that this missense variant does not alter protein structure/function; Has not been previously published as pathogenic or benign to our knowledge

Ambry Genetics
Classification: Uncertain significance for Inborn genetic diseases. Last evaluated: 2021-08-12. Review status: criteria provided, single submitter. Criteria: Ambry Variant Classification Scheme 2023. Collection method: clinical testing. Allele origin: germline.

Blueprint Genetics
Classification: Uncertain significance. Last evaluated: 2021-05-26. Review status: criteria provided, single submitter. Criteria: ACMG Guidelines, 2015. Collection method: clinical testing. Allele origin: germline.

NM_017547.4(FOXRED1):c.254T>C (p.Leu85Pro)

Gene: FOXRED1 (FAD dependent oxidoreductase domain containing 1; plus strand). Cytogenetic location: 11q24.2.
Variant type: single nucleotide variant.
Coding change: c.254T>C on transcript NM_017547.4 (MANE Select); coding-DNA position 254, T replaced by C.
Protein change: p.Leu85Pro; replaces leucine 85 with proline.
Molecular consequence: missense variant. On other transcripts: non-coding transcript variant (1).
Genome position (GRCh38, 1-based): chr11:126,271,605, T>C. VCF-style: chr11-126271605-T-C. GRCh37 (hg19) VCF-style: chr11-126141500-T-C.
Other names: short protein forms L85P.
Identifiers: ClinVar variation 2213270 (VCV002213270.4), dbSNP rs761614470, ClinGen allele CA6354009.
Genomic context (GRCh38, chr11:126,271,605, plus strand): 5'-ATGTGGTGATCGTGGGAGGTGGGGTGCTTGGCTTGTCTGTGGCCTATTGGCTGAAGAAGC[T>C]GGAGAGCAGACGAGGTGCTATTCGAGTGCTAGTGGTGGAACGGGACCACACGGTGAGGTC-3'
Protein context (NP_060017.1, residues 75-95): GLSVAYWLKK[Leu85Pro]ESRRGAIRVL